The following is an entry in ClinVar:

ClinVar aggregate classification (germline): Likely benign. Review status: criteria provided, multiple submitters, no conflicts (2 of 4 stars). 5 submissions from 5 submitters: Likely benign (4). 1 of the submissions does not count toward it. Last evaluated 2024-06-25.

Conditions:
Glycogen storage disease, type V (GSD5). Also called: McArdle type glycogen storage disease; MYOPHOSPHORYLASE DEFICIENCY; PYGM DEFICIENCY; MCARDLE DISEASE; MUSCLE GLYCOGEN PHOSPHORYLASE DEFICIENCY. Identifiers: Orphanet 368, MedGen C0017924, MONDO:0009293, OMIM 232600.

Allele frequency attached by ClinVar (database versions not stated): gnomAD 0.00001; ExAC 0.00002; gnomAD exomes 0.00002; TOPMed 0.00002.

Submissions (5):

Labcorp Genetics (formerly Invitae), Labcorp
Classification: Likely benign for Glycogen storage disease, type V. Last evaluated: 2024-06-25. Review status: criteria provided, single submitter. Criteria: Invitae Variant Classification Sherloc (09022015). Collection method: clinical testing. Allele origin: germline.

CeGaT Center for Human Genetics Tuebingen
Classification: Likely benign. Last evaluated: 2023-12-01. Review status: criteria provided, single submitter. Criteria: CeGaT Center For Human Genetics Tuebingen Variant Classification Criteria Version 2. Collection method: clinical testing. Allele origin: germline. Affected: yes. Observed: 1 variant allele.
Comment: PYGM: BP4, BP7

Women's Health and Genetics/Laboratory Corporation of America, LabCorp
Classification: Likely benign. Last evaluated: 2022-07-27. Review status: criteria provided, single submitter. Criteria: LabCorp Variant Classification Summary - May 2015. Collection method: clinical testing. Allele origin: germline.

GeneDx
Classification: Likely benign. Last evaluated: 2018-03-01. Review status: criteria provided, single submitter. Criteria: GeneDx Variant Classification (06012015). Collection method: clinical testing. Allele origin: germline. Affected: yes.
Comment: This variant is considered likely benign or benign based on one or more of the following criteria: it is a conservative change, it occurs at a poorly conserved position in the protein, it is predicted to be benign by multiple in silico algorithms, and/or has population frequency not consistent with disease.

Natera, Inc.
Classification: Likely benign for Glycogen storage disease V. Last evaluated: 2020-09-16. Review status: no assertion criteria provided. Collection method: clinical testing. Allele origin: germline. Not counted in ClinVar's aggregate classification.

NM_005609.4(PYGM):c.723C>T (p.Thr241=)

Gene: PYGM (glycogen phosphorylase, muscle associated; minus strand). Cytogenetic location: 11q13.1.
Variant type: single nucleotide variant.
Coding change: c.723C>T on transcript NM_005609.4 (MANE Select); coding-DNA position 723, C replaced by T.
Protein change: p.Thr241=; no amino-acid change (threonine 241 retained).
Molecular consequence: synonymous variant.
Genome position (GRCh38, 1-based): chr11:64,755,496, G>A on the plus strand (C>T on the coding strand, the complement: PYGM is on the minus strand). VCF-style: chr11-64755496-G-A. GRCh37 (hg19) VCF-style: chr11-64522968-G-A.
Other names: c.459C>T, p.Thr153= (NM_001164716.1); c.723C>T (NM_005609.3).
Identifiers: ClinVar variation 388280 (VCV000388280.33), dbSNP rs772848708, ClinGen allele CA6080144.